The following is an entry in ClinVar:

ClinVar aggregate classification (germline): Uncertain significance (1 of 4 stars; one submission).

Conditions:
Epilepsy, familial focal, with variable foci 3 (FFEVF3). Identifiers: MedGen C4310708, MONDO:0014925, OMIM 617118.

Allele frequency attached by ClinVar (database versions not stated): TOPMed below 0.00001; gnomAD 0.00001.
gnomAD v4.1: 3 of 1,611,340 alleles (0.00019%); highest among the groups gnomAD compares: Non-Finnish European, 0.00025%; no homozygotes.

Submission:

Labcorp Genetics (formerly Invitae), Labcorp
Classification: Uncertain significance for Epilepsy, familial focal, with variable foci 3. Last evaluated: 2022-04-24. Review status: criteria provided, single submitter. Criteria: Invitae Variant Classification Sherloc (09022015). Collection method: clinical testing. Allele origin: germline.
Comment: Experimental studies and prediction algorithms are not available or were not evaluated, and the functional significance of this variant is currently unknown. This variant has not been reported in the literature in individuals affected with NPRL3-related conditions. This variant is present in population databases (no rsID available, gnomAD 0.007%). This sequence change replaces methionine, which is neutral and non-polar, with isoleucine, which is neutral and non-polar, at codon 456 of the NPRL3 protein (p.Met456Ile). In summary, the available evidence is currently insufficient to determine the role of this variant in disease. Therefore, it has been classified as a Variant of Uncertain Significance.

NM_001077350.3(NPRL3):c.1368G>A (p.Met456Ile)

Genes: HBA-LCR (alpha-globin locus control region; plus strand), NPRL3 (NPR3 like, GATOR1 complex subunit; minus strand). Cytogenetic location: 16p13.3.
Variant type: single nucleotide variant.
Coding change: c.1368G>A on transcript NM_001077350.3 (MANE Select); coding-DNA position 1368, G replaced by A.
Protein change: p.Met456Ile; replaces methionine 456 with isoleucine.
Molecular consequence: missense variant.
Genome position (GRCh38, 1-based): chr16:88,874, C>T on the plus strand (G>A on the coding strand, the complement: NPRL3 is on the minus strand). VCF-style: chr16-88874-C-T. GRCh37 (hg19) VCF-style: chr16-138872-C-T.
Other names: c.831G>A, p.Met277Ile (NM_001039476.3); c.1134G>A, p.Met378Ile (NM_001243247.2); c.1293G>A, p.Met431Ile (NM_001243248.2, NM_001243249.2); short protein forms M431I, M456I, M378I, M277I.
Identifiers: ClinVar variation 2130272 (VCV002130272.4), dbSNP rs1213665281, ClinGen allele CA394049859.
Genomic context (GRCh38, chr16:88,874, plus strand): 5'-CGAGTCCCCGCTGGGAAGTAGCTCTGCGCTGGAGTTGTCCATGCTGGGGCTGGTGAGGGT[C>T]ATGTCATCGCTGCTGGCTGTGGGGGACATGGGTCAGGGTGACCAAGTGGAATTCCAGGAC-3'
Protein context (NP_001070818.1, residues 446-466): SFGSPTSSDD[Met456Ile]TLTSPSMDNS